The following is an entry in ClinVar:

ClinVar aggregate classification (germline): Conflicting classifications of pathogenicity. Review status: criteria provided, conflicting classifications (1 of 4 stars). 3 submissions from 3 submitters: Uncertain significance (2); Likely benign (1). Last evaluated 2025-03-28.

Conditions:
Inborn genetic diseases. Identifiers: MedGen C0950123, MeSH D030342.
Diaphanospondylodysostosis. Also called: VERTEBRAL OSSIFICATION, DEFECT IN, WITH NEPHROGENIC RESTS. Identifiers: Orphanet 66637, MedGen C1842691, MONDO:0011946, OMIM 608022.

Allele frequency attached by ClinVar (database versions not stated): TOPMed 0.00013; ExAC 0.00025; 1000 Genomes Project 0.00020; gnomAD exomes 0.00027 and 0.00009; 1000 Genomes Project 30x 0.00031; ESP Exome Variant Server 0.00015.
gnomAD v4.1: 146 of 1,613,962 alleles (0.009%); highest among the groups gnomAD compares: Admixed American, 0.12%; no homozygotes.

Submissions (3):

Ambry Genetics
Classification: Likely benign for Inborn genetic diseases. Last evaluated: 2025-03-28. Review status: criteria provided, single submitter. Criteria: Ambry Variant Classification Scheme 2023. Collection method: clinical testing. Allele origin: germline.

Labcorp Genetics (formerly Invitae), Labcorp
Classification: Uncertain significance. Last evaluated: 2021-10-14. Review status: criteria provided, single submitter. Criteria: Invitae Variant Classification Sherloc (09022015). Collection method: clinical testing. Allele origin: germline.
Comment: This sequence change replaces aspartic acid with asparagine at codon 636 of the BMPER protein (p.Asp636Asn). The aspartic acid residue is highly conserved and there is a small physicochemical difference between aspartic acid and asparagine. This variant is present in population databases (rs202141422, ExAC 0.2%). This variant has not been reported in the literature in individuals affected with BMPER-related conditions. ClinVar contains an entry for this variant (Variation ID: 909183). Algorithms developed to predict the effect of missense changes on protein structure and function are either unavailable or do not agree on the potential impact of this missense change (SIFT: "Deleterious"; PolyPhen-2: "Possibly Damaging"; Align-GVGD: "Class C15"). In summary, the available evidence is currently insufficient to determine the role of this variant in disease. Therefore, it has been classified as a Variant of Uncertain Significance.

Illumina Laboratory Services, Illumina
Classification: Uncertain significance for Diaphanospondylodysostosis. Last evaluated: 2017-04-27. Review status: criteria provided, single submitter. Criteria: ICSL Variant Classification Criteria 13 December 2019. Collection method: clinical testing. Allele origin: germline.

NM_001365308.1(BMPER):c.1906G>A (p.Asp636Asn)

Gene: BMPER (BMP binding endothelial regulator; plus strand). Cytogenetic location: 7p14.3.
Variant type: single nucleotide variant.
Coding change: c.1906G>A on transcript NM_001365308.1 (MANE Select); coding-DNA position 1906, G replaced by A.
Protein change: p.Asp636Asn; replaces aspartic acid 636 with asparagine.
Molecular consequence: missense variant.
Genome position (GRCh38, 1-based): chr7:34,153,121, G>A. VCF-style: chr7-34153121-G-A. GRCh37 (hg19) VCF-style: chr7-34192733-G-A.
Other names: c.1906G>A, p.Asp636Asn (NM_133468.5); c.1906G>A (NM_133468.3); short protein forms D636N.
Identifiers: ClinVar variation 909183 (VCV000909183.9), dbSNP rs202141422, ClinGen allele CA4215561.